The following is an entry in ClinVar:

NM_019892.6(INPP5E):c.819C>T (p.Tyr273=)

Gene: INPP5E (inositol polyphosphate-5-phosphatase E; minus strand). Cytogenetic location: 9q34.3.
Variant type: single nucleotide variant.
Coding change: c.819C>T on transcript NM_019892.6 (MANE Select); coding-DNA position 819, C replaced by T.
Protein change: p.Tyr273=; no amino-acid change (tyrosine 273 retained).
Molecular consequence: synonymous variant.
Genome position (GRCh38, 1-based): chr9:136,434,857, G>A on the plus strand (C>T on the coding strand, the complement: INPP5E is on the minus strand). VCF-style: chr9-136434857-G-A. GRCh37 (hg19) VCF-style: chr9-139329309-G-A.
Other names: c.819C>T, p.Tyr273= (NM_001318502.2); c.819C>T (NM_019892.5).
Identifiers: ClinVar variation 680447 (VCV000680447.10), dbSNP rs1444048193, ClinGen allele CA467722473.

ClinVar aggregate classification (germline): Likely benign. Review status: criteria provided, multiple submitters, no conflicts (2 of 4 stars). 3 submissions from 3 submitters: Likely benign (3). Last evaluated 2025-05-29.

Conditions:
INPP5E-related disorder. Also called: INPP5E-related condition.
Joubert syndrome. Also called: Familial aplasia of the vermis; JOUBERT-BOLTSHAUSER SYNDROME. Identifiers: Orphanet 475, MedGen C5979921, MONDO:0018772.

Allele frequency attached by ClinVar (database versions not stated): gnomAD exomes below 0.00001; TOPMed below 0.00001; gnomAD 0.00001.

Submissions (3):

PreventionGenetics, part of Exact Sciences
Classification: Likely benign for INPP5E-related condition. Last evaluated: 2025-05-29. Review status: criteria provided, single submitter. Criteria: ACMG Guidelines, 2015. Collection method: clinical testing. Allele origin: germline.
Comment: This variant is classified as likely benign based on ACMG/AMP sequence variant interpretation guidelines (Richards et al. 2015 PMID: 25741868, with internal and published modifications).

Labcorp Genetics (formerly Invitae), Labcorp
Classification: Likely benign for Joubert syndrome. Last evaluated: 2023-04-23. Review status: criteria provided, single submitter. Criteria: Invitae Variant Classification Sherloc (09022015). Collection method: clinical testing. Allele origin: germline.

GeneDx
Classification: Likely benign. Last evaluated: 2018-03-19. Review status: criteria provided, single submitter. Criteria: GeneDx Variant Classification (06012015). Collection method: clinical testing. Allele origin: germline. Affected: yes.
Comment: This variant is considered likely benign or benign based on one or more of the following criteria: it is a conservative change, it occurs at a poorly conserved position in the protein, it is predicted to be benign by multiple in silico algorithms, and/or has population frequency not consistent with disease.